The following is an entry in ClinVar:

NM_001080.3(ALDH5A1):c.960C>T (p.Asn320=)

Gene: ALDH5A1 (aldehyde dehydrogenase 5 family member A1; plus strand). Cytogenetic location: 6p22.3.
Variant type: single nucleotide variant.
Coding change: c.960C>T on transcript NM_001080.3 (MANE Select); coding-DNA position 960, C replaced by T.
Protein change: p.Asn320=; no amino-acid change (asparagine 320 retained).
Molecular consequence: synonymous variant.
Genome position (GRCh38, 1-based): chr6:24,520,490, C>T. VCF-style: chr6-24520490-C-T. GRCh37 (hg19) VCF-style: chr6-24520718-C-T.
Other names: c.816C>T, p.Asn272= (NM_001368954.1); c.999C>T, p.Asn333= (NM_170740.1).
Identifiers: ClinVar variation 1152084 (VCV001152084.39), dbSNP rs781439143, ClinGen allele CA3656804.
Genomic context (GRCh38, chr6:24,520,490, plus strand): 5'-GAAAAGGGTCTCTATGGAGCTGGGCGGCCTTGCTCCATTTATAGTATTTGACAGTGCCAA[C>T]GTGGACCAGGCTGTAGCAGGGGCCATGGCATCTAAATTTAGGAACACTGGACAGGTGAGT-3'
Protein context (NP_001071.1, residues 310-330): LAPFIVFDSA[Asn320=]VDQAVAGAMA

ClinVar aggregate classification (germline): Likely benign. Review status: criteria provided, multiple submitters, no conflicts (2 of 4 stars). 3 submissions from 3 submitters: Likely benign (3). Last evaluated 2025-08-10.

Conditions:
Succinate-semialdehyde dehydrogenase deficiency (SSADHD). Also called: Succinic Semialdehyde Dehydrogenase Deficiency; 4-HYDROXYBUTYRIC ACIDURIA; GABA METABOLIC DEFECT; SSADH DEFICIENCY. Identifiers: Orphanet 22, MedGen C0268631, MONDO:0010083, OMIM 271980.

Allele frequency attached by ClinVar (database versions not stated): ExAC 0.00002; gnomAD 0.00002; gnomAD exomes 0.00002; TOPMed 0.00003.

Submissions (3):

Labcorp Genetics (formerly Invitae), Labcorp
Classification: Likely benign for Succinate-semialdehyde dehydrogenase deficiency. Last evaluated: 2025-08-10. Review status: criteria provided, single submitter. Criteria: Invitae Variant Classification Sherloc (09022015). Collection method: clinical testing. Allele origin: germline.

CeGaT Center for Human Genetics Tuebingen
Classification: Likely benign. Last evaluated: 2025-02-01. Review status: criteria provided, single submitter. Criteria: CeGaT Center For Human Genetics Tuebingen Variant Classification Criteria Version 2. Collection method: clinical testing. Allele origin: germline. Affected: yes. Observed: 3 variant alleles.
Comment: ALDH5A1: BP4, BP7

Blueprint Genetics
Classification: Likely benign. Last evaluated: 2024-06-12. Review status: criteria provided, single submitter. Criteria: ACMG Guidelines, 2015. Collection method: clinical testing. Allele origin: germline.